The following is an entry in ClinVar:

ClinVar aggregate classification (germline): Uncertain significance (1 of 4 stars; one submission).

Submission:

Ambry Genetics
Classification: Uncertain significance. Last evaluated: 2024-11-28. Review status: criteria provided, single submitter. Criteria: Ambry Variant Classification Scheme 2023. Collection method: clinical testing. Allele origin: germline.
Comment: The p.Q958E variant (also known as c.2872C>G), located in coding exon 1 of the TET2 gene, results from a C to G substitution at nucleotide position 2872. The glutamine at codon 958 is replaced by glutamic acid, an amino acid with highly similar properties. This amino acid position is conserved. In addition, this alteration is predicted to be tolerated by in silico analysis. Based on the available evidence, the clinical significance of this variant remains unclear.

NM_001127208.3(TET2):c.2872C>G (p.Gln958Glu)

Genes: TET2 (tet methylcytosine dioxygenase 2; plus strand), TET2-AS1 (TET2 antisense RNA 1; minus strand). Cytogenetic location: 4q24.
Variant type: single nucleotide variant.
Coding change: c.2872C>G on transcript NM_001127208.3 (MANE Select); coding-DNA position 2872, C replaced by G.
Protein change: p.Gln958Glu; replaces glutamine 958 with glutamic acid.
Molecular consequence: missense variant.
Genome position (GRCh38, 1-based): chr4:105,236,814, C>G. VCF-style: chr4-105236814-C-G. GRCh37 (hg19) VCF-style: chr4-106157971-C-G.
Other names: c.2872C>G, p.Gln958Glu (NM_017628.4); short protein forms Q958E.
Identifiers: ClinVar variation 3455350 (VCV003455350.1).
Genomic context (GRCh38, chr4:105,236,814, plus strand): 5'-ACTCAGACCCCTCCCCAGAAGGACACTCAAAAGCATGCTGCTCTAAGGTGGCATCTCTTA[C>G]AGAAGCAAGAACAGCAGCAAACACAGCAACCCCAAACTGAGTCTTGCCATAGTCAGATGC-3'
Protein context (NP_001120680.1, residues 948-968): KHAALRWHLL[Gln958Glu]KQEQQQTQQP